The following is an entry in ClinVar:

ClinVar aggregate classification (germline): Uncertain significance (1 of 4 stars; one submission).

gnomAD v4.1: 5 of 1,613,726 alleles (0.00031%); highest among the groups gnomAD compares: Non-Finnish European, 0.00034%; no homozygotes.

Submission:

Ambry Genetics
Classification: Uncertain significance. Last evaluated: 2025-09-04. Review status: criteria provided, single submitter. Criteria: Ambry Variant Classification Scheme 2023. Collection method: clinical testing. Allele origin: germline.
Comment: The p.L567V variant (also known as c.1699T>G), located in coding exon 4 of the TMPO gene, results from a T to G substitution at nucleotide position 1699. The leucine at codon 567 is replaced by valine, an amino acid with highly similar properties. This amino acid position is conserved. In addition, this alteration is predicted to be tolerated by in silico analysis. Based on the available evidence, the clinical significance of this variant remains unclear.

NM_001032283.3(TMPO):c.565+2118T>G

Gene: TMPO (thymopoietin; plus strand). Cytogenetic location: 12q23.1.
Variant type: single nucleotide variant.
Coding change: c.565+2118T>G on transcript NM_001032283.3 (MANE Select); 2118 bases into the intron after coding-DNA position 565, T replaced by G.
Molecular consequence: intron variant. On other transcripts: missense variant (1).
Genome position (GRCh38, 1-based): chr12:98,533,956, T>G. VCF-style: chr12-98533956-T-G. GRCh37 (hg19) VCF-style: chr12-98927734-T-G.
Other names: c.1699T>G, p.Leu567Val (NM_003276.2); c.565+2118T>G (NM_001307975.2, NM_001032284.3); short protein forms L567V.
Identifiers: ClinVar variation 3808584 (VCV003808584.2).